The following is an entry in ClinVar:

ClinVar aggregate classification (germline): Uncertain significance. Review status: criteria provided, multiple submitters, no conflicts (2 of 4 stars). 2 submissions from 2 submitters: Uncertain significance (2). Last evaluated 2025-10-21.

Conditions:
Pyogenic arthritis-pyoderma gangrenosum-acne syndrome (PAPA). Also called: FAMILIAL RECURRENT ARTHRITIS; PAPA SYNDROME. Identifiers: MedGen C1858361, MONDO:0011462, OMIM 604416, Orphanet 69126.
Inborn genetic diseases. Identifiers: MedGen C0950123, MeSH D030342.

Allele frequency attached by ClinVar (database versions not stated): gnomAD 0.00001; gnomAD exomes 0.00002; TOPMed 0.00003; ExAC 0.00001.
gnomAD v4.1: 25 of 1,612,180 alleles (0.0016%); highest among the groups gnomAD compares: Middle Eastern, 0.016%; no homozygotes.

Submissions (2):

Labcorp Genetics (formerly Invitae), Labcorp
Classification: Uncertain significance for Pyogenic arthritis-pyoderma gangrenosum-acne syndrome. Last evaluated: 2025-10-21. Review status: criteria provided, single submitter. Criteria: Invitae Variant Classification Sherloc (09022015). Collection method: clinical testing. Allele origin: germline.
Comment: This sequence change replaces threonine, which is neutral and polar, with alanine, which is neutral and non-polar, at codon 398 of the PSTPIP1 protein (p.Thr398Ala). This variant is present in population databases (rs771740478, gnomAD 0.006%). This variant has not been reported in the literature in individuals affected with PSTPIP1-related conditions. ClinVar contains an entry for this variant (Variation ID: 2195412). Invitae Evidence Modeling of protein sequence and biophysical properties (such as structural, functional, and spatial information, amino acid conservation, physicochemical variation, residue mobility, and thermodynamic stability) has been performed for this missense variant. However, the output from this modeling did not meet the statistical confidence thresholds required to predict the impact of this variant on PSTPIP1 protein function. Algorithms developed to predict the effect of sequence changes on RNA splicing suggest that this variant may create or strengthen a splice site. In summary, the available evidence is currently insufficient to determine the role of this variant in disease. Therefore, it has been classified as a Variant of Uncertain Significance.

Ambry Genetics
Classification: Uncertain significance for Inborn genetic diseases. Last evaluated: 2024-10-30. Review status: criteria provided, single submitter. Criteria: Ambry Variant Classification Scheme 2023. Collection method: clinical testing. Allele origin: germline.

NM_003978.5(PSTPIP1):c.1192A>G (p.Thr398Ala)

Gene: PSTPIP1 (proline-serine-threonine phosphatase interacting protein 1; plus strand). Cytogenetic location: 15q24.3.
Variant type: single nucleotide variant.
Coding change: c.1192A>G on transcript NM_003978.5 (MANE Select); coding-DNA position 1192, A replaced by G.
Protein change: p.Thr398Ala; replaces threonine 398 with alanine.
Molecular consequence: missense variant. On other transcripts: non-coding transcript variant (1).
Genome position (GRCh38, 1-based): chr15:77,037,117, A>G. VCF-style: chr15-77037117-A-G. GRCh37 (hg19) VCF-style: chr15-77329458-A-G.
Other names: c.1135A>G, p.Thr379Ala (NM_001321135.2); c.1165A>G, p.Thr389Ala (NM_001321136.2); c.1387A>G, p.Thr463Ala (NM_001321137.1); c.1183A>G, p.Thr395Ala (NM_001411086.1); short protein forms T398A, T379A, T395A, T463A, T389A.
Identifiers: ClinVar variation 2195412 (VCV002195412.5), dbSNP rs771740478, ClinGen allele CA7676221.
Genomic context (GRCh38, chr15:77,037,117, plus strand): 5'-CTGGACCTGTCCGCGGGAGACATCCTGGAGGTGATCCTGGAAGGGGAGGATGGCTGGTGG[A>G]CTGTGGAGAGGAACGGGCAGCGTGGCTTCGTCCCTGGTTCCTACCTGGAGAAGCTTTGAG-3'
Protein context (NP_003969.2, residues 388-408): VILEGEDGWW[Thr398Ala]VERNGQRGFV